The following is an entry in ClinVar:

NM_001079802.2(FKTN):c.397A>T (p.Met133Leu)

Gene: FKTN (fukutin; plus strand). Cytogenetic location: 9q31.2.
Variant type: single nucleotide variant.
Coding change: c.397A>T on transcript NM_001079802.2 (MANE Select); coding-DNA position 397, A replaced by T.
Protein change: p.Met133Leu; replaces methionine 133 with leucine.
Molecular consequence: missense variant. On other transcripts: initiator codon variant (4), non-coding transcript variant (2).
Genome position (GRCh38, 1-based): chr9:105,604,242, A>T. VCF-style: chr9-105604242-A-T. GRCh37 (hg19) VCF-style: chr9-108366523-A-T.
Other names: c.397A>T, p.Met133Leu (NM_001198963.2, NM_001351496.2, NM_001351498.2 and 1 more transcripts); c.328A>T, p.Met110Leu (NM_001351497.2); c.1A>T, p.Met1Leu (NM_001351499.2, NM_001351500.2, NM_001351501.2 and 1 more transcripts); short protein forms M110L, M133L, M1L.
Identifiers: ClinVar variation 3232622 (VCV003232622.1), dbSNP rs569778463, ClinGen allele CA374331914.

ClinVar aggregate classification (germline): Uncertain significance (1 of 4 stars; one submission).

Conditions:
Cardiovascular phenotype. Identifiers: MedGen CN230736.

Submission:

Ambry Genetics
Classification: Uncertain significance for Cardiovascular phenotype. Last evaluated: 2022-11-27. Review status: criteria provided, single submitter. Criteria: Ambry Variant Classification Scheme 2023. Collection method: clinical testing. Allele origin: germline.
Comment: The p.M133L variant (also known as c.397A>T), located in coding exon 4 of the FKTN gene, results from an A to T substitution at nucleotide position 397. The methionine at codon 133 is replaced by leucine, an amino acid with highly similar properties. This amino acid position is conserved. In addition, the in silico prediction for this alteration is inconclusive. Since supporting evidence is limited at this time, the clinical significance of this alteration remains unclear.